The following is an entry in ClinVar:

ClinVar aggregate classification (germline): Uncertain significance (1 of 4 stars; one submission).

gnomAD v4.1: 7 of 1,613,954 alleles (0.00043%); highest among the groups gnomAD compares: Non-Finnish European, 0.00042%; no homozygotes.

Submission:

Dasa
Classification: Uncertain significance. Last evaluated: 2025-07-23. Review status: criteria provided, single submitter. Criteria: DASA Assertion Criteria. Collection method: clinical testing. Allele origin: germline.
Comment: NM_005529.7(HSPG2):c.12703C>A (p.Arg4235=) is a synonymous variant predicted not to alter the encoded amino acid sequence. This variant is rare in population databases. Computational prediction algorithms are consistent with a deleterious effect. The currently available literature and clinical evidence are not sufficient to establish a definitive association between this variant and the reported condition. Therefore, this variant is classified as a variant of uncertain significance.

NM_005529.7(HSPG2):c.12703C>A (p.Arg4235=)

Genes: HSPG2 (heparan sulfate proteoglycan 2; minus strand), LDLRAD2 (low density lipoprotein receptor class A domain containing 2; plus strand). Cytogenetic location: 1p36.12.
Variant type: single nucleotide variant.
Coding change: c.12703C>A on transcript NM_005529.7 (MANE Select); coding-DNA position 12703, C replaced by A.
Protein change: p.Arg4235=; no amino-acid change (arginine 4235 retained).
Molecular consequence: synonymous variant. On other transcripts: 3 prime UTR variant (1).
Genome position (GRCh38, 1-based): chr1:21,824,578, G>T on the plus strand (C>A on the coding strand, the complement: HSPG2 is on the minus strand). VCF-style: chr1-21824578-G-T. GRCh37 (hg19) VCF-style: chr1-22151071-G-T.
Other names: c.12706C>A, p.Arg4236= (NM_001291860.2); c.*2363G>T (NM_001013693.3).
Identifiers: ClinVar variation 4881703 (VCV004881703.2).